The following is an entry in ClinVar:

NM_000285.4(PEPD):c.984C>G (p.Asp328Glu)

Gene: PEPD (peptidase D; minus strand). Cytogenetic location: 19q13.11.
Variant type: single nucleotide variant.
Coding change: c.984C>G on transcript NM_000285.4 (MANE Select); coding-DNA position 984, C replaced by G.
Protein change: p.Asp328Glu; replaces aspartic acid 328 with glutamic acid.
Molecular consequence: missense variant.
Genome position (GRCh38, 1-based): chr19:33,391,463, G>C on the plus strand (C>G on the coding strand, the complement: PEPD is on the minus strand). VCF-style: chr19-33391463-G-C. GRCh37 (hg19) VCF-style: chr19-33882369-G-C.
Other names: c.861C>G, p.Asp287Glu (NM_001166056.2); c.792C>G, p.Asp264Glu (NM_001166057.2); c.984C>G (NM_000285.3); short protein forms D287E, D264E, D328E.
Identifiers: ClinVar variation 2076156 (VCV002076156.2), dbSNP rs368959300, ClinGen allele CA307573626.
Genomic context (GRCh38, chr19:33,391,463, plus strand): 5'-GCTCAGGATGCCCATGTGGGCCAGCTCCTCCAGGTGGATGCGGTCAGCCAGGCGGTGCAT[G>C]TCAGGCCACCAGACACCTGTGGGCCAGAGGGAGCTGCCGTGAGCCACAGAGCCCAGCAGC-3'
Protein context (NP_000276.2, residues 318-338): GAMKPGVWWP[Asp328Glu]MHRLADRIHL

ClinVar aggregate classification (germline): Uncertain significance. Review status: criteria provided, multiple submitters, no conflicts (2 of 4 stars). 2 submissions from 2 submitters: Uncertain significance (2). Last evaluated 2025-05-17.

Conditions:
Inborn genetic diseases. Identifiers: MedGen C0950123, MeSH D030342.

gnomAD v4.1: 37 of 1,551,254 alleles (0.0024%); highest among the groups gnomAD compares: Middle Eastern, 0.055%; no homozygotes.

Submissions (2):

Ambry Genetics
Classification: Uncertain significance for Inborn genetic diseases. Last evaluated: 2025-05-17. Review status: criteria provided, single submitter. Criteria: Ambry Variant Classification Scheme 2023. Collection method: clinical testing. Allele origin: germline.

Labcorp Genetics (formerly Invitae), Labcorp
Classification: Uncertain significance. Last evaluated: 2022-05-21. Review status: criteria provided, single submitter. Criteria: Invitae Variant Classification Sherloc (09022015). Collection method: clinical testing. Allele origin: germline.
Comment: This sequence change replaces aspartic acid, which is acidic and polar, with glutamic acid, which is acidic and polar, at codon 328 of the PEPD protein (p.Asp328Glu). This variant is present in population databases (no rsID available, gnomAD 0.004%). This variant has not been reported in the literature in individuals affected with PEPD-related conditions. Algorithms developed to predict the effect of missense changes on protein structure and function are either unavailable or do not agree on the potential impact of this missense change (SIFT: "Deleterious"; PolyPhen-2: "Benign"; Align-GVGD: "Class C35"). In summary, the available evidence is currently insufficient to determine the role of this variant in disease. Therefore, it has been classified as a Variant of Uncertain Significance.